The following is an entry in ClinVar:

NM_005762.3(TRIM28):c.189G>A (p.Glu63=)

Genes: TRIM28 (tripartite motif containing 28; plus strand), LOC130065239 (ATAC-STARR-seq lymphoblastoid silent region 11093; plus strand). Cytogenetic location: 19q13.43.
Variant type: single nucleotide variant.
Coding change: c.189G>A on transcript NM_005762.3 (MANE Select); coding-DNA position 189, G replaced by A.
Protein change: p.Glu63=; no amino-acid change (glutamic acid 63 retained).
Molecular consequence: synonymous variant.
Genome position (GRCh38, 1-based): chr19:58,544,946, G>A. VCF-style: chr19-58544946-G-A. GRCh37 (hg19) VCF-style: chr19-59056313-G-A.
Other names: c.189G>A (NM_005762.2).
Identifiers: ClinVar variation 2849324 (VCV002849324.26), dbSNP rs748177645, ClinGen allele CA9718791.

ClinVar aggregate classification (germline): Likely benign. Review status: criteria provided, multiple submitters, no conflicts (2 of 4 stars). 3 submissions from 3 submitters: Likely benign (2). 1 of the submissions does not count toward it. Last evaluated 2026-01-06.

Conditions:
TRIM28-related disorder. Also called: TRIM28-related condition.

Allele frequency attached by ClinVar (database versions not stated): ExAC 0.00013; gnomAD 0.00023; TOPMed 0.00023; gnomAD exomes 0.00059.
gnomAD v4.1: 799 of 1,485,568 alleles (0.054%); highest among the groups gnomAD compares: Non-Finnish European, 0.068%; 1 homozygote.

Submissions (3):

Labcorp Genetics (formerly Invitae), Labcorp
Classification: Likely benign. Last evaluated: 2026-01-06. Review status: criteria provided, single submitter. Criteria: Invitae Variant Classification Sherloc (09022015). Collection method: clinical testing. Allele origin: germline.

CeGaT Center for Human Genetics Tuebingen
Classification: Likely benign. Last evaluated: 2025-04-01. Review status: criteria provided, single submitter. Criteria: CeGaT Center For Human Genetics Tuebingen Variant Classification Criteria Version 2. Collection method: clinical testing. Allele origin: germline. Affected: yes. Observed: 4 variant alleles.
Comment: TRIM28: BP4, BP7

PreventionGenetics, part of Exact Sciences
Classification: Likely benign for TRIM28-related condition. Last evaluated: 2022-09-28. Review status: no assertion criteria provided. Collection method: clinical testing. Allele origin: germline. Not counted in ClinVar's aggregate classification.
Comment: This variant is classified as likely benign based on ACMG/AMP sequence variant interpretation guidelines (Richards et al. 2015 PMID: 25741868, with internal and published modifications).